The following is an entry in ClinVar:

ClinVar aggregate classification (germline): Uncertain significance (1 of 4 stars; one submission).

Conditions:
SEMA3C-related disorder. Also called: SEMA3C-related condition.

gnomAD v4.1: 6 of 1,613,678 alleles (0.00037%); highest among the groups gnomAD compares: South Asian, 0.0033%; no homozygotes.

Submission:

PreventionGenetics, part of Exact Sciences
Classification: Uncertain significance for SEMA3C-related condition. Last evaluated: 2026-01-06. Review status: criteria provided, single submitter. Criteria: ACMG Guidelines, 2015. Collection method: clinical testing. Allele origin: germline.
Comment: The SEMA3C c.548G>A variant is predicted to result in the amino acid substitution p.Arg183His. To our knowledge, this variant has not been reported in the literature. This variant is reported in 0.0033% of alleles in individuals of South Asian descent in gnomAD. At this time, the clinical significance of this variant is uncertain due to the absence of conclusive functional and genetic evidence.

NM_006379.5(SEMA3C):c.494G>A (p.Arg165His)

Gene: SEMA3C (semaphorin 3C; minus strand). Cytogenetic location: 7q21.11.
Variant type: single nucleotide variant.
Coding change: c.494G>A on transcript NM_006379.5 (MANE Select); coding-DNA position 494, G replaced by A.
Protein change: p.Arg165His; replaces arginine 165 with histidine.
Molecular consequence: missense variant.
Genome position (GRCh38, 1-based): chr7:80,810,655, C>T on the plus strand (G>A on the coding strand, the complement: SEMA3C is on the minus strand). VCF-style: chr7-80810655-C-T. GRCh37 (hg19) VCF-style: chr7-80439971-C-T.
Other names: c.548G>A, p.Arg183His (NM_001350120.2); c.320G>A, p.Arg107His (NM_001350121.2); short protein forms R165H, R183H, R107H.
Identifiers: ClinVar variation 4989728 (VCV004989728.1).